The following is an entry in ClinVar:

NM_020461.4(TUBGCP6):c.70G>C (p.Gly24Arg)

Gene: TUBGCP6 (tubulin gamma complex component 6; minus strand). Cytogenetic location: 22q13.33.
Variant type: single nucleotide variant.
Coding change: c.70G>C on transcript NM_020461.4 (MANE Select); coding-DNA position 70, G replaced by C.
Protein change: p.Gly24Arg; replaces glycine 24 with arginine.
Molecular consequence: missense variant.
Genome position (GRCh38, 1-based): chr22:50,244,390, C>G on the plus strand (G>C on the coding strand, the complement: TUBGCP6 is on the minus strand). VCF-style: chr22-50244390-C-G. GRCh37 (hg19) VCF-style: chr22-50682819-C-G.
Other names: short protein forms G24R.
Identifiers: ClinVar variation 2103325 (VCV002103325.4), dbSNP rs2064891480, ClinGen allele CA412117357.

ClinVar aggregate classification (germline): Uncertain significance (1 of 4 stars; one submission).

Submission:

Labcorp Genetics (formerly Invitae), Labcorp
Classification: Uncertain significance. Last evaluated: 2022-02-25. Review status: criteria provided, single submitter. Criteria: Invitae Variant Classification Sherloc (09022015). Collection method: clinical testing. Allele origin: germline.
Comment: In summary, the available evidence is currently insufficient to determine the role of this variant in disease. Therefore, it has been classified as a Variant of Uncertain Significance. Algorithms developed to predict the effect of missense changes on protein structure and function output the following: SIFT: "Tolerated"; PolyPhen-2: "Benign"; Align-GVGD: "Class C0". The arginine amino acid residue is found in multiple mammalian species, which suggests that this missense change does not adversely affect protein function. This variant has not been reported in the literature in individuals affected with TUBGCP6-related conditions. This variant is not present in population databases (gnomAD no frequency). This sequence change replaces glycine, which is neutral and non-polar, with arginine, which is basic and polar, at codon 24 of the TUBGCP6 protein (p.Gly24Arg).